The following is an entry in ClinVar:

ClinVar aggregate classification (germline): Likely benign. Review status: criteria provided, multiple submitters, no conflicts (2 of 4 stars). 2 submissions from 2 submitters: Likely benign (2). Last evaluated 2024-02-17.

Conditions:
Carnitine palmitoyltransferase II deficiency. Also called: Carnitine Palmitoyltransferase 2 Deficiency. Identifiers: Orphanet 157, MedGen C0342790, MONDO:0015515.

Allele frequency attached by ClinVar (database versions not stated): ExAC 0.00001.

Submissions (2):

Labcorp Genetics (formerly Invitae), Labcorp
Classification: Likely benign for Carnitine palmitoyltransferase II deficiency. Last evaluated: 2024-02-17. Review status: criteria provided, single submitter. Criteria: Invitae Variant Classification Sherloc (09022015). Collection method: clinical testing. Allele origin: germline.

GeneDx
Classification: Likely benign. Last evaluated: 2017-12-21. Review status: criteria provided, single submitter. Criteria: GeneDx Variant Classification (06012015). Collection method: clinical testing. Allele origin: germline. Affected: yes.
Comment: This variant is considered likely benign or benign based on one or more of the following criteria: it is a conservative change, it occurs at a poorly conserved position in the protein, it is predicted to be benign by multiple in silico algorithms, and/or has population frequency not consistent with disease.

NM_000098.3(CPT2):c.340+18T>A

Gene: CPT2 (carnitine palmitoyltransferase 2; plus strand). Cytogenetic location: 1p32.3.
Variant type: single nucleotide variant.
Coding change: c.340+18T>A on transcript NM_000098.3 (MANE Select); 18 bases into the intron after coding-DNA position 340, T replaced by A.
Molecular consequence: intron variant.
Genome position (GRCh38, 1-based): chr1:53,202,447, T>A. VCF-style: chr1-53202447-T-A. GRCh37 (hg19) VCF-style: chr1-53668119-T-A.
Other names: c.340+18T>A (NM_001330589.2).
Identifiers: ClinVar variation 513802 (VCV000513802.4), dbSNP rs1553169114, ClinGen allele CA858950.